The following is an entry in ClinVar:

NM_001370259.2(MEN1):c.290T>A (p.Ile97Asn)

Gene: MEN1 (menin 1; minus strand). Cytogenetic location: 11q13.1.
Variant type: single nucleotide variant.
Coding change: c.290T>A on transcript NM_001370259.2 (MANE Select); coding-DNA position 290, T replaced by A.
Protein change: p.Ile97Asn; replaces isoleucine 97 with asparagine.
Molecular consequence: missense variant.
Genome position (GRCh38, 1-based): chr11:64,809,820, A>T on the plus strand (T>A on the coding strand, the complement: MEN1 is on the minus strand). VCF-style: chr11-64809820-A-T. GRCh37 (hg19) VCF-style: chr11-64577292-A-T.
Other names: c.290T>A, p.Ile97Asn (NM_001407142.1, NM_001407143.1, NM_001407144.1 and 20 more transcripts); short protein forms I97N.
Identifiers: ClinVar variation 1797570 (VCV001797570.4), dbSNP rs2136185852, ClinGen allele CA381187472.
Genomic context (GRCh38, chr11:64,809,820, plus strand): 5'-AGCTCACGGCTGGAGACACCCCCTTCTCGAGGATAGAGGGACAGGTCGACGGCGCCTCGG[A>T]TCTGGGCGGTGAAGCGGGCATAGAGGGCGGCGATGATAGACAGGTCGGCCACGGGAAAGT-3'
Protein context (NP_001357188.2, residues 87-107): AALYARFTAQ[Ile97Asn]RGAVDLSLYP

ClinVar aggregate classification (germline): Uncertain significance. Review status: criteria provided, multiple submitters, no conflicts (2 of 4 stars). 2 submissions from 2 submitters: Uncertain significance (2). Last evaluated 2026-01-20.

Conditions:
Hereditary cancer-predisposing syndrome. Also called: Neoplastic Syndromes, Hereditary; Tumor predisposition; Hereditary neoplastic syndrome; Hereditary Cancer Syndrome. Identifiers: Orphanet 140162, MedGen C0027672, MeSH D009386, MONDO:0015356.
Multiple endocrine neoplasia, type 1 (MEN1). Also called: MEA I; MEN I; WERMER SYNDROME; Endocrine adenomatosis multiple; MEN 1. Identifiers: Orphanet 652, MedGen C0025267, MeSH D018761, MONDO:0007540, OMIM 131100.

Submissions (2):

Labcorp Genetics (formerly Invitae), Labcorp
Classification: Uncertain significance for Multiple endocrine neoplasia, type 1. Last evaluated: 2026-01-20. Review status: criteria provided, single submitter. Criteria: Invitae Variant Classification Sherloc (09022015). Collection method: clinical testing. Allele origin: germline.
Comment: This sequence change replaces isoleucine, which is neutral and non-polar, with asparagine, which is neutral and polar, at codon 97 of the MEN1 protein (p.Ile97Asn). This variant is not present in population databases (gnomAD no frequency). This variant has not been reported in the literature in individuals affected with MEN1-related conditions. ClinVar contains an entry for this variant (Variation ID: 1797570). Invitae Evidence Modeling of protein sequence and biophysical properties (such as structural, functional, and spatial information, amino acid conservation, physicochemical variation, residue mobility, and thermodynamic stability) indicates that this missense variant is expected to disrupt MEN1 protein function with a positive predictive value of 95%. In summary, the available evidence is currently insufficient to determine the role of this variant in disease. Therefore, it has been classified as a Variant of Uncertain Significance.

Ambry Genetics
Classification: Uncertain significance for Hereditary cancer-predisposing syndrome. Last evaluated: 2024-10-03. Review status: criteria provided, single submitter. Criteria: Ambry Variant Classification Scheme 2023. Collection method: clinical testing. Allele origin: germline.
Comment: The p.I97N variant (also known as c.290T>A), located in coding exon 1 of the MEN1 gene, results from a T to A substitution at nucleotide position 290. The isoleucine at codon 97 is replaced by asparagine, an amino acid with dissimilar properties. This amino acid position is conserved. In addition, this alteration is predicted to be deleterious by in silico analysis. Since supporting evidence is limited at this time, the clinical significance of this alteration remains unclear.